The following is an entry in ClinVar:

NM_002890.3(RASA1):c.363T>C (p.Thr121=)

Gene: RASA1 (RAS p21 protein activator 1; plus strand). Cytogenetic location: 5q14.3.
Variant type: single nucleotide variant.
Coding change: c.363T>C on transcript NM_002890.3 (MANE Select); coding-DNA position 363, T replaced by C.
Protein change: p.Thr121=; no amino-acid change (threonine 121 retained).
Molecular consequence: synonymous variant.
Genome position (GRCh38, 1-based): chr5:87,268,814, T>C. VCF-style: chr5-87268814-T-C. GRCh37 (hg19) VCF-style: chr5-86564631-T-C.
Other names: c.363T>C (NM_002890.2).
Identifiers: ClinVar variation 1733503 (VCV001733503.7), dbSNP rs565225550, ClinGen allele CA3335414.
Genomic context (GRCh38, chr5:87,268,814, plus strand): 5'-CGTGGCCGGTGCTGCTGTTGCTGGACCTAGTGGAGACATGGCTCTCACCAAACTGCCCAC[T>C]TCGTTGCTTGCTGAGACTCTCGGGCCAGGCGGCGGTTTTCCCCCTCTGCCCCCTCCCCCT-3'
Protein context (NP_002881.1, residues 111-131): SGDMALTKLP[Thr121=]SLLAETLGPG

ClinVar aggregate classification (germline): Likely benign. Review status: criteria provided, multiple submitters, no conflicts (2 of 4 stars). 3 submissions from 3 submitters: Likely benign (2). 1 of the submissions does not count toward it. Last evaluated 2025-11-17.

Conditions:
Capillary malformation-arteriovenous malformation syndrome. Also called: Capillary malformation-arteriovenous malformation. Identifiers: Orphanet 137667, MedGen C1842180, MONDO:0012016.
Cardiovascular phenotype. Identifiers: MedGen CN230736.
RASA1-related disorder. Also called: RASA1-related condition.

Allele frequency attached by ClinVar (database versions not stated): ExAC 0.00005; gnomAD 0.00005; TOPMed 0.00007; 1000 Genomes Project 30x 0.00016; 1000 Genomes Project 0.00020.
gnomAD v4.1: 19 of 1,614,100 alleles (0.0012%); highest among the groups gnomAD compares: East Asian, 0.025%; no homozygotes.

Submissions (3):

Labcorp Genetics (formerly Invitae), Labcorp
Classification: Likely benign for Capillary malformation-arteriovenous malformation syndrome. Last evaluated: 2025-11-17. Review status: criteria provided, single submitter. Criteria: Invitae Variant Classification Sherloc (09022015). Collection method: clinical testing. Allele origin: germline.

Ambry Genetics
Classification: Likely benign for Cardiovascular phenotype. Last evaluated: 2020-10-18. Review status: criteria provided, single submitter. Criteria: Ambry Variant Classification Scheme 2023. Collection method: clinical testing. Allele origin: germline.

PreventionGenetics, part of Exact Sciences
Classification: Benign for RASA1-related condition. Last evaluated: 2019-02-25. Review status: no assertion criteria provided. Collection method: clinical testing. Allele origin: germline. Not counted in ClinVar's aggregate classification.
Comment: This variant is classified as benign based on ACMG/AMP sequence variant interpretation guidelines (Richards et al. 2015 PMID: 25741868, with internal and published modifications).